The following is an entry in ClinVar:

NM_015175.3(NBEAL2):c.1531C>G (p.Arg511Gly)

Gene: NBEAL2 (neurobeachin like 2; plus strand). Cytogenetic location: 3p21.31.
Variant type: single nucleotide variant.
Coding change: c.1531C>G on transcript NM_015175.3 (MANE Select); coding-DNA position 1531, C replaced by G.
Protein change: p.Arg511Gly; replaces arginine 511 with glycine.
Molecular consequence: missense variant.
Genome position (GRCh38, 1-based): chr3:46,995,266, C>G. VCF-style: chr3-46995266-C-G. GRCh37 (hg19) VCF-style: chr3-47036756-C-G.
Other names: c.1429C>G, p.Arg477Gly (NM_001365116.2); short protein forms R511G, R477G.
Identifiers: ClinVar variation 260579 (VCV000260579.19), dbSNP rs11720139, ClinGen allele CA2360401.

ClinVar aggregate classification (germline): Benign/Likely benign. Review status: criteria provided, multiple submitters, no conflicts (2 of 4 stars). 10 submissions from 10 submitters: Benign (7); Likely benign (1). 2 of the submissions do not count toward it. Last evaluated 2026-02-02.

Conditions:
Gray platelet syndrome (GPS). Also called: BLEEDING DISORDER, PLATELET-TYPE, 4. Identifiers: Orphanet 721, MedGen C0272302, MONDO:0007686, OMIM 139090.

Allele frequency attached by ClinVar (database versions not stated): ESP Exome Variant Server 0.31132; 1000 Genomes Project 30x 0.31402; 1000 Genomes Project 0.31669; TOPMed 0.33225.
gnomAD v4.1: 604,747 of 1,559,560 alleles (39%); highest among the groups gnomAD compares: Middle Eastern, 47%; 119,769 homozygotes.

Submissions (10):

Labcorp Genetics (formerly Invitae), Labcorp
Classification: Benign. Last evaluated: 2026-02-02. Review status: criteria provided, single submitter. Criteria: Invitae Variant Classification Sherloc (09022015). Collection method: clinical testing. Allele origin: germline.

Blueprint Genetics
Classification: Likely benign. Last evaluated: 2024-11-26. Review status: criteria provided, single submitter. Criteria: ACMG Guidelines, 2015. Collection method: clinical testing. Allele origin: germline.

Mayo Clinic Laboratories, Mayo Clinic
Classification: Benign. Last evaluated: 2022-09-29. Review status: criteria provided, single submitter. Criteria: ACMG Guidelines, 2015. Collection method: clinical testing. Allele origin: germline. Observed: 301 variant alleles.

Genome-Nilou Lab
Classification: Benign for Gray platelet syndrome. Last evaluated: 2021-09-05. Review status: criteria provided, single submitter. Criteria: ACMG Guidelines, 2015. Collection method: clinical testing. Allele origin: germline. Affected: no.

GeneDx
Classification: Benign. Last evaluated: 2018-11-12. Review status: criteria provided, single submitter. Criteria: GeneDx Variant Classification Process June 2021. Collection method: clinical testing. Allele origin: germline. Affected: yes.

Illumina Laboratory Services, Illumina
Classification: Benign for Gray platelet syndrome. Last evaluated: 2018-01-13. Review status: criteria provided, single submitter. Criteria: ICSL Variant Classification Criteria 13 December 2019. Collection method: clinical testing. Allele origin: germline.
Comment: This variant was observed in the ICSL laboratory as part of a predisposition screen in an ostensibly healthy population. It had not been previously curated by ICSL or reported in the Human Gene Mutation Database (HGMD: prior to June 1st, 2018), and was therefore a candidate for classification through an automated scoring system. Utilizing variant allele frequency, disease prevalence and penetrance estimates, and inheritance mode, an automated score was calculated to assess if this variant is too frequent to cause the disease. Based on the score and internal cut-off values, a variant classified as benign is not then subjected to further curation. The score for this variant resulted in a classification of benign for this disease.

Breakthrough Genomics
Classification: Benign. Review status: criteria provided, single submitter. Criteria: ACMG Guidelines, 2015. Collection method: not provided. Allele origin: germline. Inheritance: Autosomal recessive inheritance. Affected: yes.

PreventionGenetics, part of Exact Sciences
Classification: Benign. Review status: criteria provided, single submitter. Criteria: ACMG Guidelines, 2015. Collection method: clinical testing. Allele origin: germline.

Diagnostic Laboratory, Department of Genetics, University Medical Center Groningen
Classification: Benign. Review status: no assertion criteria provided. Collection method: clinical testing. Allele origin: germline. Affected: yes. Study: VKGL Data-share Consensus. Not counted in ClinVar's aggregate classification.

Joint Genome Diagnostic Labs from Nijmegen and Maastricht, Radboudumc and MUMC+
Classification: Benign. Review status: no assertion criteria provided. Collection method: clinical testing. Allele origin: germline. Affected: yes. Study: VKGL Data-share Consensus. Not counted in ClinVar's aggregate classification.